The following is an entry in ClinVar:

NM_015057.5(MYCBP2):c.3802G>C (p.Gly1268Arg)

Gene: MYCBP2 (MYC binding protein 2; minus strand). Cytogenetic location: 13q22.3.
Variant type: single nucleotide variant.
Coding change: c.3802G>C on transcript NM_015057.5 (MANE Select); coding-DNA position 3802, G replaced by C.
Protein change: p.Gly1268Arg; replaces glycine 1268 with arginine.
Molecular consequence: missense variant.
Genome position (GRCh38, 1-based): chr13:77,205,297, C>G on the plus strand (G>C on the coding strand, the complement: MYCBP2 is on the minus strand). VCF-style: chr13-77205297-C-G. GRCh37 (hg19) VCF-style: chr13-77779432-C-G.
Other names: short protein forms G1268R.
Identifiers: ClinVar variation 2580652 (VCV002580652.1), dbSNP rs2549248695, ClinGen allele CA388417283.
Genomic context (GRCh38, chr13:77,205,297, plus strand): 5'-CATTGTTGATGAACTTTACCTTAATTTTAGCAGTATATTCTCCTCTACCTCCAAACAGAC[C>G]AAGACCACCAAGTAAAATATCAGTGTCGGCACTGAAACGTATAGCTTCTACTGAATGGGC-3'
Protein context (NP_055872.4, residues 1258-1278): ADTDILLGGL[Gly1268Arg]LFGGRGEYTA

ClinVar aggregate classification (germline): Uncertain significance (1 of 4 stars; one submission).

Submission:

GeneDx
Classification: Uncertain significance. Last evaluated: 2023-03-23. Review status: criteria provided, single submitter. Criteria: GeneDx Variant Classification Process June 2021. Collection method: clinical testing. Allele origin: germline. Affected: yes.
Comment: Not observed at significant frequency in large population cohorts (gnomAD); In silico analysis supports that this missense variant has a deleterious effect on protein structure/function; Has not been previously published as pathogenic or benign to our knowledge